The following is an entry in ClinVar:

NM_001903.5(CTNNA1):c.701T>C (p.Val234Ala)

Gene: CTNNA1 (catenin alpha 1; plus strand). Cytogenetic location: 5q31.2.
Variant type: single nucleotide variant.
Coding change: c.701T>C on transcript NM_001903.5 (MANE Select); coding-DNA position 701, T replaced by C.
Protein change: p.Val234Ala; replaces valine 234 with alanine.
Molecular consequence: missense variant.
Genome position (GRCh38, 1-based): chr5:138,824,642, T>C. VCF-style: chr5-138824642-T-C. GRCh37 (hg19) VCF-style: chr5-138160331-T-C.
Other names: c.701T>C, p.Val234Ala (NM_001290307.3, NM_001323982.2, NM_001323983.1 and 3 more transcripts); c.392T>C, p.Val131Ala (NM_001290309.3); c.332T>C, p.Val111Ala (NM_001290310.3); short protein forms V111A, V131A, V234A.
Identifiers: ClinVar variation 3649247 (VCV003649247.2).
Genomic context (GRCh38, chr5:138,824,642, plus strand): 5'-TGCAGAAGAACGTTCCGATCCTCTATACTGCATCCCAGGCATGCCTACAGCACCCTGATG[T>C]CGCAGCCTATAAGGCCAACAGGGACCTGATATACAAGCAGCTGCAGCAGGCGGTCACAGG-3'
Protein context (NP_001894.2, residues 224-244): ASQACLQHPD[Val234Ala]AAYKANRDLI

ClinVar aggregate classification (germline): Uncertain significance (1 of 4 stars; one submission).

Submission:

Labcorp Genetics (formerly Invitae), Labcorp
Classification: Uncertain significance. Last evaluated: 2024-04-09. Review status: criteria provided, single submitter. Criteria: Invitae Variant Classification Sherloc (09022015). Collection method: clinical testing. Allele origin: germline.
Comment: This sequence change replaces valine, which is neutral and non-polar, with alanine, which is neutral and non-polar, at codon 234 of the CTNNA1 protein (p.Val234Ala). This variant is not present in population databases (gnomAD no frequency). This variant has not been reported in the literature in individuals affected with CTNNA1-related conditions. Advanced modeling of protein sequence and biophysical properties (such as structural, functional, and spatial information, amino acid conservation, physicochemical variation, residue mobility, and thermodynamic stability) performed at Invitae indicates that this missense variant is not expected to disrupt CTNNA1 protein function with a negative predictive value of 80%. In summary, the available evidence is currently insufficient to determine the role of this variant in disease. Therefore, it has been classified as a Variant of Uncertain Significance.